The following is an entry in ClinVar:

ClinVar aggregate classification (germline): Likely benign (1 of 4 stars; one submission).

Conditions:
ASIP-related condition.

gnomAD v4.1: 4 of 1,498,410 alleles (0.00027%); highest among the groups gnomAD compares: African/African-American, 0.0014%; no homozygotes.

Submission:

PreventionGenetics, part of Exact Sciences
Classification: Likely benign for ASIP-related condition. Last evaluated: 2025-08-13. Review status: criteria provided, single submitter. Criteria: ACMG Guidelines, 2015. Collection method: clinical testing. Allele origin: germline.
Comment: This variant is classified as likely benign based on ACMG/AMP sequence variant interpretation guidelines (Richards et al. 2015 PMID: 25741868, with internal and published modifications).

NM_001672.3(ASIP):c.*8C>A

Genes: AHCY (adenosylhomocysteinase; minus strand), ASIP (agouti signaling protein; plus strand). Cytogenetic location: 20q11.22.
Variant type: single nucleotide variant.
Coding change: c.*8C>A on transcript NM_001672.3 (MANE Select); 8 bases downstream of the stop codon, C replaced by A.
Molecular consequence: 3 prime UTR variant.
Genome position (GRCh38, 1-based): chr20:34,269,175, C>A. VCF-style: chr20-34269175-C-A. GRCh37 (hg19) VCF-style: chr20-32856981-C-A.
Other names: c.*8C>A (NM_001385218.1).
Identifiers: ClinVar variation 4990033 (VCV004990033.1).